The following is an entry in ClinVar:

ClinVar aggregate classification (germline): Uncertain significance (1 of 4 stars; one submission).

gnomAD v4.1: 1 of 1,546,616 alleles (0.000065%); highest among the groups gnomAD compares: Non-Finnish European, 0.000087%; no homozygotes.

Submission:

GeneDx
Classification: Uncertain significance. Last evaluated: 2019-08-16. Review status: criteria provided, single submitter. Criteria: GeneDx Variant Classification Process June 2021. Collection method: clinical testing. Allele origin: germline. Affected: yes.
Comment: Not observed in large population cohorts (Lek et al., 2016); In silico analysis, which includes protein predictors and evolutionary conservation, supports that this variant does not alter protein structure/function; Has not been previously published as pathogenic or benign to our knowledge

NM_016358.3(IRX4):c.1406C>T (p.Pro469Leu)

Gene: IRX4 (iroquois homeobox 4; minus strand). Cytogenetic location: 5p15.33.
Variant type: single nucleotide variant.
Coding change: c.1406C>T on transcript NM_016358.3 (MANE Select); coding-DNA position 1406, C replaced by T.
Protein change: p.Pro469Leu; replaces proline 469 with leucine.
Molecular consequence: missense variant.
Genome position (GRCh38, 1-based): chr5:1,878,123, G>A on the plus strand (C>T on the coding strand, the complement: IRX4 is on the minus strand). VCF-style: chr5-1878123-G-A. GRCh37 (hg19) VCF-style: chr5-1878237-G-A.
Other names: c.1406C>T, p.Pro469Leu (NM_001278632.1, NM_001278634.2); c.1484C>T, p.Pro495Leu (NM_001278633.1, NM_001278635.2); short protein forms P469L, P495L.
Identifiers: ClinVar variation 1308027 (VCV001308027.2), dbSNP rs1211071129, ClinGen allele CA359092862.